The following is an entry in ClinVar:

ClinVar aggregate classification (germline): Pathogenic (1 of 4 stars; one submission).

Submission:

GeneDx
Classification: Pathogenic. Last evaluated: 2023-10-11. Review status: criteria provided, single submitter. Criteria: GeneDx Variant Classification Process June 2021. Collection method: clinical testing. Allele origin: germline. Affected: yes.
Comment: Not observed at significant frequency in large population cohorts (gnomAD); Missense variants in this gene are a common cause of disease and they are underrepresented in the general population; In silico analysis supports that this missense variant has a deleterious effect on protein structure/function; This variant is associated with the following publications: (PMID: 30582250, 27527380)

NM_001184880.2(PCDH19):c.964G>C (p.Gly322Arg)

Gene: PCDH19 (protocadherin 19; minus strand). Cytogenetic location: Xq22.1.
Variant type: single nucleotide variant.
Coding change: c.964G>C on transcript NM_001184880.2 (MANE Select); coding-DNA position 964, G replaced by C.
Protein change: p.Gly322Arg; replaces glycine 322 with arginine.
Molecular consequence: missense variant.
Genome position (GRCh38, 1-based): chrX:100,407,634, C>G on the plus strand (G>C on the coding strand, the complement: PCDH19 is on the minus strand). VCF-style: chrX-100407634-C-G. GRCh37 (hg19) VCF-style: chrX-99662632-C-G.
Other names: c.964G>C, p.Gly322Arg (NM_001105243.2, NM_020766.3); short protein forms G322R.
Identifiers: ClinVar variation 3340318 (VCV003340318.1).